The following is an entry in ClinVar:

ClinVar aggregate classification (germline): Uncertain significance. Review status: criteria provided, multiple submitters, no conflicts (2 of 4 stars). 2 submissions from 2 submitters: Uncertain significance (2). Last evaluated 2025-11-26.

Conditions:
Inborn genetic diseases. Identifiers: MedGen C0950123, MeSH D030342.

Allele frequency attached by ClinVar (database versions not stated): TOPMed below 0.00001.

Submissions (2):

Ambry Genetics
Classification: Uncertain significance for Inborn genetic diseases. Last evaluated: 2025-11-26. Review status: criteria provided, single submitter. Criteria: Ambry Variant Classification Scheme 2023. Collection method: clinical testing. Allele origin: germline.

GeneDx
Classification: Uncertain significance. Last evaluated: 2024-01-25. Review status: criteria provided, single submitter. Criteria: GeneDx Variant Classification Process June 2021. Collection method: clinical testing. Allele origin: germline. Affected: yes.
Comment: Not observed at significant frequency in large population cohorts (gnomAD); In silico analysis supports that this missense variant does not alter protein structure/function; Has not been previously published as pathogenic or benign to our knowledge

NM_006618.5(KDM5B):c.4040A>G (p.Asn1347Ser)

Gene: KDM5B (lysine demethylase 5B; minus strand). Cytogenetic location: 1q32.1.
Variant type: single nucleotide variant.
Coding change: c.4040A>G on transcript NM_006618.5 (MANE Select); coding-DNA position 4040, A replaced by G.
Protein change: p.Asn1347Ser; replaces asparagine 1347 with serine.
Molecular consequence: missense variant.
Genome position (GRCh38, 1-based): chr1:202,731,045, T>C on the plus strand (A>G on the coding strand, the complement: KDM5B is on the minus strand). VCF-style: chr1-202731045-T-C. GRCh37 (hg19) VCF-style: chr1-202700173-T-C.
Other names: c.4148A>G, p.Asn1383Ser (NM_001314042.2); c.3905A>G, p.Asn1302Ser (NM_001347591.2); c.4025A>G, p.Asn1342Ser (NM_001399817.1); short protein forms N1347S, N1302S, N1383S, N1342S.
Identifiers: ClinVar variation 3113862 (VCV003113862.3), dbSNP rs1654866247, ClinGen allele CA344261294.